The following is an entry in ClinVar:

ClinVar aggregate classification (germline): Likely pathogenic (1 of 4 stars; one submission).

Conditions:
Autosomal recessive limb-girdle muscular dystrophy type 2J (LGMDR10). Also called: Limb-girdle muscular dystrophy, type 2J; MUSCULAR DYSTROPHY, LIMB-GIRDLE, AUTOSOMAL RECESSIVE 10. Identifiers: Orphanet 140922, MedGen C1837342, MONDO:0012127, OMIM 608807.
Dilated cardiomyopathy 1G (CMD1G). Identifiers: Orphanet 154, MedGen C1858763, MONDO:0011400, OMIM 604145.

gnomAD v4.1: 1 of 1,612,554 alleles (0.000062%); highest among the groups gnomAD compares: Non-Finnish European, 0.000085%; no homozygotes.

Submission:

Labcorp Genetics (formerly Invitae), Labcorp
Classification: Likely pathogenic for Dilated cardiomyopathy 1G; Autosomal recessive limb-girdle muscular dystrophy type 2J. Last evaluated: 2024-03-13. Review status: criteria provided, single submitter. Criteria: Invitae Variant Classification Sherloc (09022015). Collection method: clinical testing. Allele origin: germline.
Comment: This sequence change creates a premature translational stop signal (p.Glu16738*) in the TTN gene. While this is not anticipated to result in nonsense mediated decay, it is expected to create a truncated TTN protein. This variant is not present in population databases (gnomAD no frequency). This variant has not been reported in the literature in individuals affected with TTN-related conditions. This variant is located in the A band of TTN (PMID: 25589632). Truncating variants in this region are significantly overrepresented in patients affected with dilated cardiomyopathy (PMID: 25589632). Truncating variants in this region have also been reported in individuals affected with autosomal recessive centronuclear myopathy (PMID: 23975875). In summary, the currently available evidence indicates that the variant is pathogenic, but additional data are needed to prove that conclusively. Therefore, this variant has been classified as Likely Pathogenic.

Literature cited by the submitters: PubMed 25589632; PubMed 23975875.

NM_001267550.2(TTN):c.50212G>T (p.Glu16738Ter)

Genes: TTN (titin; minus strand), TTN-AS1 (TTN antisense RNA 1; plus strand). Cytogenetic location: 2q31.2.
Variant type: single nucleotide variant.
Coding change: c.50212G>T on transcript NM_001267550.2 (MANE Select); coding-DNA position 50212, G replaced by T.
Protein change: p.Glu16738Ter; replaces glutamic acid 16738 with a stop codon.
Molecular consequence: nonsense.
Genome position (GRCh38, 1-based): chr2:178,612,313, C>A on the plus strand (G>T on the coding strand, the complement: TTN is on the minus strand). VCF-style: chr2-178612313-C-A. GRCh37 (hg19) VCF-style: chr2-179477040-C-A.
Other names: c.45289G>T, p.Glu15097Ter (NM_001256850.1); c.23017G>T, p.Glu7673Ter (NM_003319.4); c.42508G>T, p.Glu14170Ter (NM_133378.4); c.23392G>T, p.Glu7798Ter (NM_133432.3); c.23593G>T, p.Glu7865Ter (NM_133437.4); short protein forms E14170*, E15097*, E16738*, E7673*, E7798*, E7865*.
Identifiers: ClinVar variation 3754960 (VCV003754960.2).